The following is an entry in ClinVar:

ClinVar aggregate classification (germline): Conflicting classifications of pathogenicity. Review status: criteria provided, conflicting classifications (1 of 4 stars). 3 submissions from 3 submitters: Pathogenic (1); Likely pathogenic (1); Uncertain significance (1). Last evaluated 2026-08-27.

Conditions:
Hereditary cancer-predisposing syndrome. Also called: Hereditary Cancer Syndrome; Hereditary neoplastic syndrome; Neoplastic Syndromes, Hereditary; Tumor predisposition. Identifiers: Orphanet 140162, MedGen C0027672, MeSH D009386, MONDO:0015356.
Familial adenomatous polyposis 2. Also called: ADENOMAS, MULTIPLE COLORECTAL, AUTOSOMAL RECESSIVE; MUTYH-associated polyposis; MUTYH-related attenuated familial adenomatous polyposis; FAP type 2; MUTYH Polyposis; MYH-associated polyposis. Identifiers: Orphanet 220460, Orphanet 247798, MedGen C3272841, MONDO:0012041, OMIM 608456.

Submissions (3):

Myriad Genetics, Inc.
Classification: Likely pathogenic for Familial adenomatous polyposis 2. Last evaluated: 2026-08-27. Review status: criteria provided, single submitter. Criteria: Myriad Autosomal Dominant, Autosomal Recessive and X-Linked Classification Criteria (2023). Collection method: clinical testing. Allele origin: unknown.
Comment: This variant is considered likely pathogenic. Functional studies indicate this variant impacts protein function [PMID: 40738107]. This variant is expected to disrupt protein structure [Myriad internal data].

Ambry Genetics
Classification: Pathogenic for Hereditary cancer-predisposing syndrome. Last evaluated: 2026-03-30. Review status: criteria provided, single submitter. Criteria: Ambry Variant Classification Scheme 2023. Collection method: clinical testing. Allele origin: germline.
Comment: The p.C300W pathogenic mutation (also known as c.900C>G), located in coding exon 10 of the MUTYH gene, results from a C to G substitution at nucleotide position 900. The cysteine at codon 300 is replaced by tryptophan, an amino acid with highly dissimilar properties. In a massively parallel cell-based functional assay testing 7,8-dihydro-8-oxoguanine:adenine (8OG:A) repair activity, a byproduct of oxidative damage, this variant was reported to be non-functional (Hemker SL et al. Am J Hum Genet, 2025 Sep;112:2010-2026). Other variants at the same codon, p.C300Y (c.899G>A) and p.C300F (c.899G>T), also demonstrate an abnormal result in this functional assay (Hemker SL et al. Am J Hum Genet, 2025 Sep;112:2010-2026). This amino acid position is highly conserved in available vertebrate species. In addition, this alteration is predicted to be deleterious by in silico analysis. Based on the supporting evidence, this variant is interpreted as a disease-causing mutation.

Labcorp Genetics (formerly Invitae), Labcorp
Classification: Uncertain significance for Familial adenomatous polyposis 2. Last evaluated: 2020-01-24. Review status: criteria provided, single submitter. Criteria: Invitae Variant Classification Sherloc (09022015). Collection method: clinical testing. Allele origin: germline.
Comment: Algorithms developed to predict the effect of missense changes on protein structure and function (SIFT, PolyPhen-2, Align-GVGD) all suggest that this variant is likely to be disruptive, but these predictions have not been confirmed by published functional studies and their clinical significance is uncertain. In summary, the available evidence is currently insufficient to determine the role of this variant in disease. Therefore, it has been classified as a Variant of Uncertain Significance. This sequence change replaces cysteine with tryptophan at codon 300 of the MUTYH protein (p.Cys300Trp). The cysteine residue is highly conserved and there is a large physicochemical difference between cysteine and tryptophan. This variant is not present in population databases (ExAC no frequency). This variant has not been reported in the literature in individuals with MUTYH-related disease.

Literature cited by the submitters: PubMed 40738107 (cited by Myriad Genetics, Inc. and Ambry Genetics).

NM_001048174.2(MUTYH):c.816C>G (p.Cys272Trp)

Gene: MUTYH (mutY DNA glycosylase; minus strand). Cytogenetic location: 1p34.1.
Variant type: single nucleotide variant.
Coding change: c.816C>G on transcript NM_001048174.2 (MANE Select); coding-DNA position 816, C replaced by G.
Protein change: p.Cys272Trp; replaces cysteine 272 with tryptophan.
Molecular consequence: missense variant. On other transcripts: non-coding transcript variant (2).
Genome position (GRCh38, 1-based): chr1:45,332,199, G>C on the plus strand (C>G on the coding strand, the complement: MUTYH is on the minus strand). VCF-style: chr1-45332199-G-C. GRCh37 (hg19) VCF-style: chr1-45797871-G-C.
Other names: c.816C>G, p.Cys272Trp (NM_001048171.2, NM_001048173.2, NM_001293195.2); c.819C>G, p.Cys273Trp (NM_001048172.2); c.900C>G, p.Cys300Trp (NM_001128425.2); c.861C>G, p.Cys287Trp (NM_001293190.2); c.849C>G, p.Cys283Trp (NM_001293191.2); c.540C>G, p.Cys180Trp (NM_001293192.2, NM_001293196.2); c.471C>G, p.Cys157Trp (NM_001350650.2, NM_001350651.2); c.891C>G, p.Cys297Trp (NM_012222.3); short protein forms C300W, C157W, C180W, C272W, C273W, C283W, C287W, C297W.
Identifiers: ClinVar variation 655768 (VCV000655768.10), dbSNP rs753883191, ClinGen allele CA340134395.
Genomic context (GRCh38, chr1:45,332,199, plus strand): 5'-TCACTGCCCCTTCCCCAGTAGGCTTACTCTCTGGCGTGCCCGGCACAGGCTCTCCACAGG[G>C]CACTGGCTGCACAGTGGGCGCTGTGGGGTACACACTGTGGCCCCTAGCTCCATGGCTGCT-3'
Protein context (NP_001041639.1, residues 262-282): CTPQRPLCSQ[Cys272Trp]PVESLCRARQ